The following is an entry in ClinVar:

NM_001348716.2(KDM6B):c.523C>T (p.Gln175Ter)

Gene: KDM6B (lysine demethylase 6B; plus strand). Cytogenetic location: 17p13.1.
Variant type: single nucleotide variant.
Coding change: c.523C>T on transcript NM_001348716.2 (MANE Select); coding-DNA position 523, C replaced by T.
Protein change: p.Gln175Ter; replaces glutamine 175 with a stop codon.
Molecular consequence: nonsense.
Genome position (GRCh38, 1-based): chr17:7,846,466, C>T. VCF-style: chr17-7846466-C-T. GRCh37 (hg19) VCF-style: chr17-7749784-C-T.
Other names: c.523C>T, p.Gln175Ter (NM_001080424.2); c.523C>T (NM_001080424.1); short protein forms Q175*.
Identifiers: ClinVar variation 1704418 (VCV001704418.2), dbSNP rs761401181, ClinGen allele CA8360234.

ClinVar aggregate classification (germline): Likely pathogenic. Review status: criteria provided, single submitter (1 of 4 stars). 2 submissions from 2 submitters: Likely pathogenic (1). 1 of the submissions does not count toward it. Last evaluated 2024-03-28.

Conditions:
Neurodevelopmental disorder with coarse facies and mild distal skeletal abnormalities. Also called: STOLERMAN NEURODEVELOPMENTAL SYNDROME. Identifiers: MedGen C5193134, MONDO:0032790, OMIM 618505.

Allele frequency attached by ClinVar (database versions not stated): gnomAD exomes below 0.00001; ExAC 0.00001.

Submissions (2):

GeneDx
Classification: Likely pathogenic. Last evaluated: 2024-03-28. Review status: criteria provided, single submitter. Criteria: GeneDx Variant Classification Process June 2021. Collection method: clinical testing. Allele origin: germline. Affected: yes.
Comment: Nonsense variant predicted to result in protein truncation or nonsense mediated decay in a gene for which loss of function is a known mechanism of disease; This variant is associated with the following publications: (PMID: 37196654, 34490615)

Joint Genome Diagnostic Labs from Nijmegen and Maastricht, Radboudumc and MUMC+
Classification: Likely pathogenic for Neurodevelopmental disorder with coarse facies and mild distal skeletal abnormalities. Last evaluated: 2022-09-09. Review status: no assertion criteria provided. Collection method: research. Allele origin: unknown. Affected: yes. Not counted in ClinVar's aggregate classification.